The following is an entry in ClinVar:

NM_016592.5(GNAS):c.332C>T (p.Thr111Ile)

Genes: GNAS (GNAS complex locus; plus strand), GNAS-AS1 (GNAS antisense RNA 1; minus strand). Cytogenetic location: 20q13.32.
Variant type: single nucleotide variant.
Coding change: c.332C>T on transcript NM_016592.5 (MANE Plus Clinical); coding-DNA position 332, C replaced by T.
Protein change: p.Thr111Ile; replaces threonine 111 with isoleucine.
Molecular consequence: missense variant. On other transcripts: 5 prime UTR variant (1).
Genome position (GRCh38, 1-based): chr20:58,840,438, C>T. VCF-style: chr20-58840438-C-T. GRCh37 (hg19) VCF-style: chr20-57415493-C-T.
Other names: c.-406C>T (NM_001410912.1); short protein forms T111I.
Identifiers: ClinVar variation 134489 (VCV000134489.3), dbSNP rs587778388, ClinGen allele CA159954.

ClinVar aggregate classification (germline): not provided (0 of 4 stars; one submission).

Allele frequency attached by ClinVar (database versions not stated): TOPMed below 0.00001.

Submission:

ITMI
No classification provided. Condition: AllHighlyPenetrant. Last evaluated: 2013-09-19. Review status: no classification provided. Collection method: reference population. Allele origin: germline.
Comment: Please see associated publication for description of ethnicities

Literature cited by the submitters: PubMed 24728327.